The following is an entry in ClinVar:

ClinVar aggregate classification (germline): Pathogenic (1 of 4 stars; one submission).

Conditions:
Hereditary diffuse gastric adenocarcinoma (HDGC). Also called: DIFFUSE GASTRIC AND LOBULAR BREAST CANCER SYNDROME. Identifiers: Orphanet 26106, MedGen C1708349, MONDO:0007648, OMIM 137215.

Submission:

Labcorp Genetics (formerly Invitae), Labcorp
Classification: Pathogenic for Hereditary diffuse gastric adenocarcinoma. Last evaluated: 2020-10-12. Review status: criteria provided, single submitter. Criteria: Invitae Variant Classification Sherloc (09022015). Collection method: clinical testing. Allele origin: germline.
Comment: This variant has not been reported in the literature in individuals with CDH1-related conditions. This variant is a gross deletion of the genomic region encompassing exon(s) 1-3 of the CDH1 gene, which includes the initiator codon. The 5' end of this event is unknown as it extends beyond the assayed region for this gene and therefore may encompass additional genes. The 3' boundary is likely confined to intron 3 of the CDH1 gene. This is expected to result in an absent or disrupted protein product. Loss-of-function variants in CDH1 are known to be pathogenic (PMID: 15235021, 20373070). For these reasons, this variant has been classified as Pathogenic.

Literature cited by the submitters: PubMed 15235021; PubMed 20373070.

NC_000016.9:g.(?_68771319)_(68835806_?)del

Gene: CDH1 (cadherin 1; plus strand). Cytogenetic location: 16q22.1.
Variant type: Deletion.
Identifiers: ClinVar variation 1072979 (VCV001072979.6).